The following is an entry in ClinVar:

ClinVar aggregate classification (germline): Uncertain significance (1 of 4 stars; one submission).

Submission:

Labcorp Genetics (formerly Invitae), Labcorp
Classification: Uncertain significance. Last evaluated: 2025-08-26. Review status: criteria provided, single submitter. Criteria: Invitae Variant Classification Sherloc (09022015). Collection method: clinical testing. Allele origin: germline.
Comment: This sequence change replaces arginine, which is basic and polar, with histidine, which is basic and polar, at codon 162 of the INSR protein (p.Arg162His). This variant is not present in population databases (gnomAD no frequency). This variant has not been reported in the literature in individuals affected with INSR-related conditions. Invitae Evidence Modeling of protein sequence and biophysical properties (such as structural, functional, and spatial information, amino acid conservation, physicochemical variation, residue mobility, and thermodynamic stability) indicates that this missense variant is not expected to disrupt INSR protein function with a negative predictive value of 95%. In summary, the available evidence is currently insufficient to determine the role of this variant in disease. Therefore, it has been classified as a Variant of Uncertain Significance.

NM_000208.4(INSR):c.485G>A (p.Arg162His)

Gene: INSR (insulin receptor; minus strand). Cytogenetic location: 19p13.2.
Variant type: single nucleotide variant.
Coding change: c.485G>A on transcript NM_000208.4 (MANE Select); coding-DNA position 485, G replaced by A.
Protein change: p.Arg162His; replaces arginine 162 with histidine.
Molecular consequence: missense variant.
Genome position (GRCh38, 1-based): chr19:7,267,512, C>T on the plus strand (G>A on the coding strand, the complement: INSR is on the minus strand). VCF-style: chr19-7267512-C-T. GRCh37 (hg19) VCF-style: chr19-7267523-C-T.
Other names: c.485G>A, p.Arg162His (NM_001079817.3); short protein forms R162H.
Identifiers: ClinVar variation 4752196 (VCV004752196.1).